The following is an entry in ClinVar:

NM_014629.4(ARHGEF10):c.3671C>T (p.Pro1224Leu)

Gene: ARHGEF10 (Rho guanine nucleotide exchange factor 10; plus strand). Cytogenetic location: 8p23.3.
Variant type: single nucleotide variant.
Coding change: c.3671C>T on transcript NM_014629.4 (MANE Select); coding-DNA position 3671, C replaced by T.
Protein change: p.Pro1224Leu; replaces proline 1224 with leucine.
Molecular consequence: missense variant.
Genome position (GRCh38, 1-based): chr8:1,956,899, C>T. VCF-style: chr8-1956899-C-T. GRCh37 (hg19) VCF-style: chr8-1905065-C-T.
Other names: c.3557C>T, p.Pro1186Leu (NM_001308152.2); c.3671C>T, p.Pro1224Leu (NM_001308153.3); short protein forms P1224L, P1186L, P1248L.
Identifiers: ClinVar variation 2221781 (VCV002221781.5), dbSNP rs749312151, ClinGen allele CA4601457.
Genomic context (GRCh38, chr8:1,956,899, plus strand): 5'-CCAGGGACAGCCTGGCTCCTGGCCCCGAGCCTCAGGACGAAGACCAGAAGGACGCACTTC[C>T]GAGTGGAGGAGCTGGTTCATCTCTGAGCCAGGGTGACCCTGACGCAGCCATCTGGTTGGG-3'
Protein context (NP_055444.2, residues 1214-1234): PQDEDQKDAL[Pro1224Leu]SGGAGSSLSQ

ClinVar aggregate classification (germline): Uncertain significance. Review status: criteria provided, multiple submitters, no conflicts (2 of 4 stars). 2 submissions from 2 submitters: Uncertain significance (2). Last evaluated 2023-09-25.

gnomAD v4.1: 21 of 1,613,930 alleles (0.0013%); highest among the groups gnomAD compares: Admixed American, 0.0033%; no homozygotes.

Submissions (2):

Labcorp Genetics (formerly Invitae), Labcorp
Classification: Uncertain significance. Last evaluated: 2023-09-25. Review status: criteria provided, single submitter. Criteria: Invitae Variant Classification Sherloc (09022015). Collection method: clinical testing. Allele origin: germline.
Comment: In summary, the available evidence is currently insufficient to determine the role of this variant in disease. Therefore, it has been classified as a Variant of Uncertain Significance. This sequence change replaces proline, which is neutral and non-polar, with leucine, which is neutral and non-polar, at codon 1224 of the ARHGEF10 protein (p.Pro1224Leu). This variant is present in population databases (rs749312151, gnomAD 0.003%). This variant has not been reported in the literature in individuals affected with ARHGEF10-related conditions. ClinVar contains an entry for this variant (Variation ID: 2221781). Advanced modeling of protein sequence and biophysical properties (such as structural, functional, and spatial information, amino acid conservation, physicochemical variation, residue mobility, and thermodynamic stability) performed at Invitae indicates that this missense variant is not expected to disrupt ARHGEF10 protein function.

Ambry Genetics
Classification: Uncertain significance. Last evaluated: 2022-05-13. Review status: criteria provided, single submitter. Criteria: Ambry Variant Classification Scheme 2023. Collection method: clinical testing. Allele origin: germline.